The following is an entry in ClinVar:

NM_006096.4(NDRG1):c.1134G>A (p.Ser378=)

Gene: NDRG1 (N-myc downstream regulated 1; minus strand). Cytogenetic location: 8q24.22.
Variant type: single nucleotide variant.
Coding change: c.1134G>A on transcript NM_006096.4 (MANE Select); coding-DNA position 1134, G replaced by A.
Protein change: p.Ser378=; no amino-acid change (serine 378 retained).
Molecular consequence: synonymous variant.
Genome position (GRCh38, 1-based): chr8:133,238,929, C>T on the plus strand (G>A on the coding strand, the complement: NDRG1 is on the minus strand). VCF-style: chr8-133238929-C-T. GRCh37 (hg19) VCF-style: chr8-134251172-C-T.
Other names: c.1134G>A, p.Ser378= (NM_001135242.2, NM_001374845.1, NM_001374846.1); c.936G>A, p.Ser312= (NM_001258432.2, NM_001374847.1); c.891G>A, p.Ser297= (NM_001258433.2); c.1185G>A, p.Ser395= (NM_001374844.1).
Identifiers: ClinVar variation 639526 (VCV000639526.17), dbSNP rs750369546, ClinGen allele CA4886410.

ClinVar aggregate classification (germline): Likely benign. Review status: criteria provided, multiple submitters, no conflicts (2 of 4 stars). 6 submissions from 6 submitters: Likely benign (5). 1 of the submissions does not count toward it. Last evaluated 2025-07-06.

Conditions:
Charcot-Marie-Tooth disease type 4D. Also called: Charcot-Marie-Tooth Neuropathy Type 4D; NEUROPATHY, HEREDITARY MOTOR AND SENSORY, LOM TYPE; CHARCOT-MARIE-TOOTH DISEASE, DEMYELINATING, TYPE 4D; CHARCOT-MARIE-TOOTH DISEASE, DEMYELINATING, AUTOSOMAL RECESSIVE, TYPE 4D. Identifiers: Orphanet 99950, MedGen C1832334, MONDO:0011085, OMIM 601455.
Charcot-Marie-Tooth disease type 4. Also called: Charcot-Marie-Tooth, Type 4; Charcot-Marie-Tooth disease, type IV. Identifiers: Orphanet 64749, MedGen C4082197, MONDO:0018995.
NDRG1-related disorder. Also called: NDRG1-related condition.
Charcot-Marie-Tooth disease. Also called: Charcot-Marie-Tooth Hereditary Neuropathy; Charcot-Marie-Tooth Neuropathy. Identifiers: Orphanet 166, MedGen C0007959, MONDO:0015626.

Allele frequency attached by ClinVar (database versions not stated): ExAC 0.00005; gnomAD exomes 0.00009; TOPMed 0.00012; gnomAD 0.00013 and 0.00014.
gnomAD v4.1: 313 of 1,565,790 alleles (0.02%); highest among the groups gnomAD compares: Non-Finnish European, 0.025%; no homozygotes.

Submissions (6):

Labcorp Genetics (formerly Invitae), Labcorp
Classification: Likely benign for Charcot-Marie-Tooth disease type 4. Last evaluated: 2025-07-06. Review status: criteria provided, single submitter. Criteria: Invitae Variant Classification Sherloc (09022015). Collection method: clinical testing. Allele origin: germline.

PreventionGenetics, part of Exact Sciences
Classification: Likely benign for NDRG1-related condition. Last evaluated: 2025-03-26. Review status: criteria provided, single submitter. Criteria: ACMG Guidelines, 2015. Collection method: clinical testing. Allele origin: germline.
Comment: This variant is classified as likely benign based on ACMG/AMP sequence variant interpretation guidelines (Richards et al. 2015 PMID: 25741868, with internal and published modifications).

CeGaT Center for Human Genetics Tuebingen
Classification: Likely benign. Last evaluated: 2025-03-01. Review status: criteria provided, single submitter. Criteria: CeGaT Center For Human Genetics Tuebingen Variant Classification Criteria Version 2. Collection method: clinical testing. Allele origin: germline. Affected: yes. Observed: 1 variant allele.
Comment: NDRG1: BP4, BP7

ARUP Laboratories, Molecular Genetics and Genomics, ARUP Laboratories
Classification: Likely benign for Charcot-Marie-Tooth disease type 4D. Last evaluated: 2024-04-30. Review status: criteria provided, single submitter. Criteria: ARUP Molecular Germline Variant Investigation Process 2024. Collection method: clinical testing. Allele origin: germline.

Molecular Genetics Laboratory, London Health Sciences Centre
Classification: Likely benign for Charcot-Marie-Tooth disease. Review status: criteria provided, single submitter. Criteria: ACMG Guidelines, 2015. Collection method: clinical testing. Allele origin: germline. Affected: yes.

Natera, Inc.
Classification: Uncertain significance for Charcot-Marie-Tooth disease type 4. Last evaluated: 2020-09-16. Review status: no assertion criteria provided. Collection method: clinical testing. Allele origin: germline. Not counted in ClinVar's aggregate classification.